The following is an entry in ClinVar:

NM_000090.4(COL3A1):c.4159A>G (p.Lys1387Glu)

Gene: COL3A1 (collagen type III alpha 1 chain; plus strand). Cytogenetic location: 2q32.2.
Variant type: single nucleotide variant.
Coding change: c.4159A>G on transcript NM_000090.4 (MANE Select); coding-DNA position 4159, A replaced by G.
Protein change: p.Lys1387Glu; replaces lysine 1387 with glutamic acid.
Molecular consequence: missense variant.
Genome position (GRCh38, 1-based): chr2:189,010,795, A>G. VCF-style: chr2-189010795-A-G. GRCh37 (hg19) VCF-style: chr2-189875521-A-G.
Other names: short protein forms K1387E.
Identifiers: ClinVar variation 1416984 (VCV001416984.8), dbSNP rs145138575, ClinGen allele CA076476.

ClinVar aggregate classification (germline): Uncertain significance (1 of 4 stars; one submission).

Conditions:
Ehlers-Danlos syndrome, type 4 (EDSVASC). Also called: Ehlers-Danlos syndrome vascular type; Ehlers Danlos syndrome, ecchymotic type; Ehlers Danlos syndrome, arterial type; Ehlers Danlos syndrome, Sack-Barabas type; Ehlers-Danlos Syndrome Type IV. Identifiers: Orphanet 286, MedGen C0268338, MONDO:0017314, OMIM 130050.

Allele frequency attached by ClinVar (database versions not stated): gnomAD exomes below 0.00001; ExAC 0.00001; TOPMed 0.00001; gnomAD 0.00003 and 0.00004; ESP Exome Variant Server 0.00015.
gnomAD v4.1: 6 of 1,614,040 alleles (0.00037%); highest among the groups gnomAD compares: African/African-American, 0.008%; no homozygotes.

Submission:

Labcorp Genetics (formerly Invitae), Labcorp
Classification: Uncertain significance for Ehlers-Danlos syndrome, type 4. Last evaluated: 2022-12-06. Review status: criteria provided, single submitter. Criteria: Invitae Variant Classification Sherloc (09022015). Collection method: clinical testing. Allele origin: germline.
Comment: In summary, the available evidence is currently insufficient to determine the role of this variant in disease. Therefore, it has been classified as a Variant of Uncertain Significance. Advanced modeling of protein sequence and biophysical properties (such as structural, functional, and spatial information, amino acid conservation, physicochemical variation, residue mobility, and thermodynamic stability) performed at Invitae indicates that this missense variant is not expected to disrupt COL3A1 protein function. ClinVar contains an entry for this variant (Variation ID: 1416984). This variant has not been reported in the literature in individuals affected with COL3A1-related conditions. This variant is present in population databases (rs145138575, gnomAD 0.007%). This sequence change replaces lysine, which is basic and polar, with glutamic acid, which is acidic and polar, at codon 1387 of the COL3A1 protein (p.Lys1387Glu).